The following is an entry in ClinVar:

NM_177438.3(DICER1):c.4082A>G (p.Lys1361Arg)

Gene: DICER1 (dicer 1, ribonuclease III; minus strand). Cytogenetic location: 14q32.13.
Variant type: single nucleotide variant.
Coding change: c.4082A>G on transcript NM_177438.3 (MANE Select); coding-DNA position 4082, A replaced by G.
Protein change: p.Lys1361Arg; replaces lysine 1361 with arginine.
Molecular consequence: missense variant.
Genome position (GRCh38, 1-based): chr14:95,099,904, T>C on the plus strand (A>G on the coding strand, the complement: DICER1 is on the minus strand). VCF-style: chr14-95099904-T-C. GRCh37 (hg19) VCF-style: chr14-95566241-T-C.
Other names: c.4082A>G, p.Lys1361Arg (NM_001195573.1, NM_001271282.3, NM_001291628.2 and 1 more transcripts); short protein forms K1361R.
Identifiers: ClinVar variation 543616 (VCV000543616.11), dbSNP rs1555368619, ClinGen allele CA390872217.
Genomic context (GRCh38, chr14:95,099,904, plus strand): 5'-AGCCAATTCACAGGGGGATCAAATATTGACACCACCATGCGGCTGGGTAGTCCCTTCTTT[T>C]TTCCAAGGCGATACAGATTACAGTTGCTGACCTTTAGCAGAAAATATTAGGATACTTATC-3'
Protein context (NP_803187.1, residues 1351-1371): VSNCNLYRLG[Lys1361Arg]KKGLPSRMVV

ClinVar aggregate classification (germline): Uncertain significance. Review status: criteria provided, multiple submitters, no conflicts (2 of 4 stars). 2 submissions from 2 submitters: Uncertain significance (2). Last evaluated 2024-06-01.

Conditions:
Hereditary cancer-predisposing syndrome. Also called: Neoplastic Syndromes, Hereditary; Tumor predisposition; Hereditary Cancer Syndrome; Hereditary neoplastic syndrome. Identifiers: Orphanet 140162, MedGen C0027672, MeSH D009386, MONDO:0015356.
DICER1-related tumor predisposition. Also called: DICER1-related pleuropulmonary blastoma cancer predisposition syndrome; DICER1 syndrome. Identifiers: Orphanet 284343, MedGen C3839822, MONDO:0100216.

Submissions (2):

Ambry Genetics
Classification: Uncertain significance for Hereditary cancer-predisposing syndrome. Last evaluated: 2024-06-01. Review status: criteria provided, single submitter. Criteria: Ambry Variant Classification Scheme 2023. Collection method: clinical testing. Allele origin: germline.
Comment: The p.K1361R variant (also known as c.4082A>G), located in coding exon 21 of the DICER1 gene, results from an A to G substitution at nucleotide position 4082. The lysine at codon 1361 is replaced by arginine, an amino acid with highly similar properties. This amino acid position is highly conserved in available vertebrate species. In addition, the in silico prediction for this alteration is inconclusive. Based on the available evidence, the clinical significance of this variant remains unclear.

Labcorp Genetics (formerly Invitae), Labcorp
Classification: Uncertain significance for DICER1-related tumor predisposition. Last evaluated: 2023-05-14. Review status: criteria provided, single submitter. Criteria: Invitae Variant Classification Sherloc (09022015). Collection method: clinical testing. Allele origin: germline.
Comment: This sequence change replaces lysine, which is basic and polar, with arginine, which is basic and polar, at codon 1361 of the DICER1 protein (p.Lys1361Arg). This variant is not present in population databases (gnomAD no frequency). This variant has not been reported in the literature in individuals affected with DICER1-related conditions. ClinVar contains an entry for this variant (Variation ID: 543616). Advanced modeling of protein sequence and biophysical properties (such as structural, functional, and spatial information, amino acid conservation, physicochemical variation, residue mobility, and thermodynamic stability) performed at Invitae indicates that this missense variant is not expected to disrupt DICER1 protein function. In summary, the available evidence is currently insufficient to determine the role of this variant in disease. Therefore, it has been classified as a Variant of Uncertain Significance.